The following is an entry in ClinVar:

ClinVar aggregate classification (germline): Uncertain significance. Review status: criteria provided, multiple submitters, no conflicts (2 of 4 stars). 2 submissions from 2 submitters: Uncertain significance (2). Last evaluated 2025-06-01.

Conditions:
Deficiency of beta-ureidopropionase (UPB1D). Also called: Beta-ureidopropionase deficiency. Identifiers: Orphanet 65287, MedGen C1291512, MONDO:0013164, OMIM 613161.

gnomAD v4.1: 30 of 1,612,946 alleles (0.0019%); highest among the groups gnomAD compares: Middle Eastern, 0.049%; no homozygotes.

Submissions (2):

CeGaT Center for Human Genetics Tuebingen
Classification: Uncertain significance. Last evaluated: 2025-06-01. Review status: criteria provided, single submitter. Criteria: CeGaT Center For Human Genetics Tuebingen Variant Classification Criteria Version 2. Collection method: clinical testing. Allele origin: germline. Affected: yes. Observed: 1 variant allele.
Comment: UPB1: PM2, BP4

Dubai Health Genomic Medicine Center, Dubai Health
Classification: Uncertain significance for Deficiency of beta-ureidopropionase. Last evaluated: 2020-02-18. Review status: criteria provided, single submitter. Criteria: ACMG Guidelines, 2015. Collection method: clinical testing. Allele origin: germline. Affected: yes.
Comment: The p.Ala2Gly missense variant in UPB1 has not been previously reported in affected individuals but was observed in 6/113228 (0.005% 0 homozygotes) European Non Finnish alleles in gnomAD (Genome Aggregation Database) and in 1/1985 (0.05%) alleles in the Greater Middle East (GME) Variome Database. Conservation analysis and computational tools do not provide evidence for or against pathogenicity. In summary more information is needed to determine the clinical significance of this variant.

NM_016327.3(UPB1):c.5C>G (p.Ala2Gly)

Gene: UPB1 (beta-ureidopropionase 1; plus strand). Cytogenetic location: 22q11.23.
Variant type: single nucleotide variant.
Coding change: c.5C>G on transcript NM_016327.3 (MANE Select); coding-DNA position 5, C replaced by G.
Protein change: p.Ala2Gly; replaces alanine 2 with glycine.
Molecular consequence: missense variant.
Genome position (GRCh38, 1-based): chr22:24,495,408, C>G. VCF-style: chr22-24495408-C-G. GRCh37 (hg19) VCF-style: chr22-24891376-C-G.
Other names: short protein forms A2G.
Identifiers: ClinVar variation 1301740 (VCV001301740.12), dbSNP rs764932232, ClinGen allele CA322661096.